The following is an entry in ClinVar:

ClinVar aggregate classification (germline): Likely pathogenic (1 of 4 stars; one submission).

Conditions:
Cholestanol storage disease (CTX). Also called: Cerebrotendinous Xanthomatosis; CTX: Cerebrotendinous xanthomatosis; CEREBRAL CHOLESTERINOSIS. Identifiers: Orphanet 909, MedGen C0238052, MONDO:0008948, OMIM 213700.

Submission:

Natera, Inc.
Classification: Likely pathogenic for Cerebrotendinous xanthomatosis. Last evaluated: 2024-12-17. Review status: criteria provided, single submitter. Criteria: Natera Variant Classification Schema (03/2026). Collection method: clinical testing. Allele origin: germline.
Comment: The c.8_27del variant in CYP27A1 is a frameshift variant predicted to shift the reading frame beginning at codon 3 and leads to a stop codon 171 codons downstream. This variant is expected to result in nonsense mediated decay, truncation, or a dysfunctional protein product. This variant is rare in the general population with a frequency below the threshold expected for the associated phenotype(s). Given the available evidence, this variant is classified as Likely Pathogenic.

NM_000784.4(CYP27A1):c.8_27del (p.Ala3fs)

Gene: CYP27A1 (cytochrome P450 family 27 subfamily A member 1; plus strand). Cytogenetic location: 2q35.
Variant type: Deletion.
Coding change: c.8_27del on transcript NM_000784.4 (MANE Select); coding-DNA positions 8 to 27, 20 bases deleted (CGCTGGGCTGCGCGAGGCTG).
Protein change: p.Ala3fs; shifts the reading frame from alanine 3.
Molecular consequence: frameshift variant, initiator codon variant.
Genome position (GRCh38, 1-based): chr2:218,782,190-218,782,209, CGCTGGGCTGCGCGAGGCTG deleted; deleting any 20 consecutive bases within chr2:218,782,185-218,782,209 gives the same sequence; the c. name uses the placement nearest the transcript's 3' end. VCF-style (leftmost placement, unchanged base first): chr2-218782184-TGGCTGCGCTGGGCTGCGCGA-T. GRCh37 (hg19) VCF-style: chr2-219646907-TGGCTGCGCTGGGCTGCGCGA-T.
Other names: short protein forms A3fs.
Identifiers: ClinVar variation 4814479 (VCV004814479.1).